The following is an entry in ClinVar:

NM_003849.4(SUCLG1):c.201+9A>G

Gene: SUCLG1 (succinate-CoA ligase GDP/ADP-forming subunit alpha; minus strand). Cytogenetic location: 2p11.2.
Variant type: single nucleotide variant.
Coding change: c.201+9A>G on transcript NM_003849.4 (MANE Select); 9 bases into the intron after coding-DNA position 201, A replaced by G.
Molecular consequence: intron variant.
Genome position (GRCh38, 1-based): chr2:84,449,640, T>C on the plus strand (A>G on the coding strand, the complement: SUCLG1 is on the minus strand). VCF-style: chr2-84449640-T-C. GRCh37 (hg19) VCF-style: chr2-84676764-T-C.
Other names: p.?.
Identifiers: ClinVar variation 139368 (VCV000139368.20), dbSNP rs116492610, ClinGen allele CA293816.

ClinVar aggregate classification (germline): Benign/Likely benign. Review status: criteria provided, multiple submitters, no conflicts (2 of 4 stars). 4 submissions from 4 submitters: Benign (3); Likely benign (1). Last evaluated 2026-01-26.

Conditions:
Mitochondrial DNA depletion syndrome 9 (MTDPS9). Also called: SUCLG1-Related Mitochondrial DNA Depletion Syndrome, Encephalomyopathic Form with Methylmalonic Aciduria. Identifiers: Orphanet 17, MedGen C3151476, MONDO:0009504, OMIM 245400.

Allele frequency attached by ClinVar (database versions not stated): gnomAD exomes 0.00083 and 0.00231; ExAC 0.00290; 1000 Genomes Project 0.00919; 1000 Genomes Project 30x 0.00921; gnomAD 0.00942 and 0.01020; TOPMed 0.01051; ESP Exome Variant Server 0.01130.
gnomAD v4.1: 2,613 of 1,540,418 alleles (0.17%); highest among the groups gnomAD compares: African/African-American, 3.3%; 44 homozygotes.

Submissions (6):

Labcorp Genetics (formerly Invitae), Labcorp
Classification: Benign for Mitochondrial DNA depletion syndrome 9. Last evaluated: 2026-01-26. Review status: criteria provided, single submitter. Criteria: Invitae Variant Classification Sherloc (09022015). Collection method: clinical testing. Allele origin: germline.

Mayo Clinic Laboratories, Mayo Clinic
Classification: Benign. Last evaluated: 2024-12-31. Review status: criteria provided, single submitter. Criteria: ACMG Guidelines, 2015. Collection method: clinical testing. Allele origin: germline. Observed: 14 variant alleles.
Comment: BA1

GeneDx
Classification: Benign. Last evaluated: 2011-10-17. Review status: criteria provided, single submitter. Criteria: GeneDx Variant Classification (06012015). Collection method: clinical testing. Allele origin: germline. Affected: yes.
Comment: This variant is considered likely benign or benign based on one or more of the following criteria: it is a conservative change, it occurs at a poorly conserved position in the protein, it is predicted to be benign by multiple in silico algorithms, and/or has population frequency not consistent with disease.

Breakthrough Genomics
Classification: Likely benign. Review status: criteria provided, single submitter. Criteria: ACMG Guidelines, 2015. Collection method: not provided. Allele origin: germline. Inheritance: Autosomal recessive inheritance. Affected: yes.

Dr. Peter K. Rogan Lab, Western University
No classification provided (evidence only). Condition: Uterine corpus endometrial carcinoma. Review status: no classification provided. Collection method: in vitro. Allele origin: not applicable. Functional consequence: retained intron. Not counted in ClinVar's aggregate classification.

Dr. Peter K. Rogan Lab, Western University
No classification provided (evidence only). Condition: Malignant tumor of esophagus. Review status: no classification provided. Collection method: in vitro. Allele origin: not applicable. Functional consequence: skipped exon. Not counted in ClinVar's aggregate classification.